The following is an entry in ClinVar:

NM_001130823.3(DNMT1):c.2644C>G (p.Gln882Glu)

Gene: DNMT1 (DNA methyltransferase 1; minus strand). Cytogenetic location: 19p13.2.
Variant type: single nucleotide variant.
Coding change: c.2644C>G on transcript NM_001130823.3 (MANE Select); coding-DNA position 2644, C replaced by G.
Protein change: p.Gln882Glu; replaces glutamine 882 with glutamic acid.
Molecular consequence: missense variant.
Genome position (GRCh38, 1-based): chr19:10,148,960, G>C on the plus strand (C>G on the coding strand, the complement: DNMT1 is on the minus strand). VCF-style: chr19-10148960-G-C. GRCh37 (hg19) VCF-style: chr19-10259636-G-C.
Other names: c.2596C>G, p.Gln866Glu (NM_001318730.2, NM_001379.4); c.2281C>G, p.Gln761Glu (NM_001318731.2); short protein forms Q866E, Q761E, Q882E.
Identifiers: ClinVar variation 1507534 (VCV001507534.8), dbSNP rs1305123223, ClinGen allele CA403926484.
Genomic context (GRCh38, chr19:10,148,960, plus strand): 5'-CTGTTGGCTGGGTTTTTGGAGGGGACTCGAATCTCGCGTAGTCTTGATCATACCACAGCT[G>C]GTAGAAGTAGGTCTTCCCGTCGTCCCCCTCCAGCAGGGACTCGGGATCCATGCCTCCCTT-3'
Protein context (NP_001124295.1, residues 872-892): EGDDGKTYFY[Gln882Glu]LWYDQDYARF

ClinVar aggregate classification (germline): Uncertain significance (1 of 4 stars; one submission).

Conditions:
Hereditary sensory neuropathy-deafness-dementia syndrome. Also called: NEUROPATHY, HEREDITARY SENSORY, WITH HEARING LOSS AND DEMENTIA; Hereditary Sensory and Autonomic Neuropathy Type 1E (HSAN1E); Hereditary sensory neuropathy type IE; HSN IE. Identifiers: Orphanet 456318, MedGen C3279885, MONDO:0013584, OMIM 614116.

Submission:

Labcorp Genetics (formerly Invitae), Labcorp
Classification: Uncertain significance for Hereditary sensory neuropathy-deafness-dementia syndrome. Last evaluated: 2024-09-11. Review status: criteria provided, single submitter. Criteria: Invitae Variant Classification Sherloc (09022015). Collection method: clinical testing. Allele origin: germline.
Comment: This sequence change replaces glutamine, which is neutral and polar, with glutamic acid, which is acidic and polar, at codon 882 of the DNMT1 protein (p.Gln882Glu). This variant is not present in population databases (gnomAD no frequency). This variant has not been reported in the literature in individuals affected with DNMT1-related conditions. ClinVar contains an entry for this variant (Variation ID: 1507534). Invitae Evidence Modeling of protein sequence and biophysical properties (such as structural, functional, and spatial information, amino acid conservation, physicochemical variation, residue mobility, and thermodynamic stability) indicates that this missense variant is not expected to disrupt DNMT1 protein function with a negative predictive value of 80%. In summary, the available evidence is currently insufficient to determine the role of this variant in disease. Therefore, it has been classified as a Variant of Uncertain Significance.